The following is an entry in ClinVar:

NM_198578.4(LRRK2):c.2079C>A (p.Asn693Lys)

Gene: LRRK2 (leucine rich repeat kinase 2; plus strand). Cytogenetic location: 12q12.
Variant type: single nucleotide variant.
Coding change: c.2079C>A on transcript NM_198578.4 (MANE Select); coding-DNA position 2079, C replaced by A.
Protein change: p.Asn693Lys; replaces asparagine 693 with lysine.
Molecular consequence: missense variant.
Genome position (GRCh38, 1-based): chr12:40,278,099, C>A. VCF-style: chr12-40278099-C-A. GRCh37 (hg19) VCF-style: chr12-40671901-C-A.
Other names: short protein forms N693K.
Identifiers: ClinVar variation 2561235 (VCV002561235.2), dbSNP rs781489460, ClinGen allele CA384404920.

ClinVar aggregate classification (germline): Uncertain significance (1 of 4 stars; one submission).

Conditions:
Inborn genetic diseases. Identifiers: MedGen C0950123, MeSH D030342.

Allele frequency attached by ClinVar (database versions not stated): TOPMed 0.00001.

Submission:

Ambry Genetics
Classification: Uncertain significance for Inborn genetic diseases. Last evaluated: 2023-03-30. Review status: criteria provided, single submitter. Criteria: Ambry Variant Classification Scheme 2023. Collection method: clinical testing. Allele origin: germline.
Comment: The p.N693K variant (also known as c.2079C>A), located in coding exon 18 of the LRRK2 gene, results from a C to A substitution at nucleotide position 2079. The asparagine at codon 693 is replaced by lysine, an amino acid with similar properties. This amino acid position is conserved. In addition, this alteration is predicted to be tolerated by in silico analysis. Since supporting evidence is limited at this time, the clinical significance of this alteration remains unclear.